The following is an entry in ClinVar:

NM_001377540.1(SLMAP):c.2152A>C (p.Ser718Arg)

Gene: SLMAP (sarcolemma associated protein; plus strand). Cytogenetic location: 3p14.3.
Variant type: single nucleotide variant.
Coding change: c.2152A>C on transcript NM_001377540.1 (MANE Select); coding-DNA position 2152, A replaced by C.
Protein change: p.Ser718Arg; replaces serine 718 with arginine.
Molecular consequence: missense variant. On other transcripts: non-coding transcript variant (1).
Genome position (GRCh38, 1-based): chr3:57,916,919, A>C. VCF-style: chr3-57916919-A-C. GRCh37 (hg19) VCF-style: chr3-57902646-A-C.
Other names: c.2101A>C, p.Ser701Arg (NM_001304420.3, NM_001377541.1, NM_001377542.1); c.1987A>C, p.Ser663Arg (NM_001304421.2, NM_001377557.1, NM_001377559.1); c.703A>C, p.Ser235Arg (NM_001304422.3, NM_001311178.2); c.505A>C, p.Ser169Arg (NM_001304423.3); c.580A>C, p.Ser194Arg (NM_001311179.2, NM_001377926.1, NM_001377927.1); c.2173A>C, p.Ser725Arg (NM_001377538.1); c.2152A>C, p.Ser718Arg (NM_001377539.1); c.2089A>C, p.Ser697Arg (NM_001377545.1); and 8 more; short protein forms S680R, S684R, S697R, S169R, S663R, S235R, S622R, S643R.
Identifiers: ClinVar variation 3320571 (VCV003320571.1).

ClinVar aggregate classification (germline): Uncertain significance (1 of 4 stars; one submission).

Submission:

Ambry Genetics
Classification: Uncertain significance. Last evaluated: 2024-04-12. Review status: criteria provided, single submitter. Criteria: Ambry Variant Classification Scheme 2023. Collection method: clinical testing. Allele origin: germline.
Comment: The p.S684R variant (also known as c.2050A>C), located in coding exon 19 of the SLMAP gene, results from an A to C substitution at nucleotide position 2050. The serine at codon 684 is replaced by arginine, an amino acid with dissimilar properties. This amino acid position is conserved. In addition, this alteration is predicted to be deleterious by in silico analysis. Based on the available evidence, the clinical significance of this variant remains unclear.